The following is an entry in ClinVar:

ClinVar aggregate classification (germline): Uncertain significance. Review status: criteria provided, multiple submitters, no conflicts (2 of 4 stars). 2 submissions from 2 submitters: Uncertain significance (2). Last evaluated 2024-04-20.

Conditions:
Joubert syndrome 17 (JBTS17). Identifiers: Orphanet 475, MedGen C3553264, MONDO:0013824, OMIM 614615.
Orofaciodigital syndrome type 6 (OFD6). Also called: OROFACIODIGITAL SYNDROME VI; OFDS VI; POLYDACTYLY, CLEFT LIP/PALATE OR LINGUAL LUMP, AND PSYCHOMOTOR RETARDATION; VARADI SYNDROME; VARADI-PAPP SYNDROME; Oral-facial-digital syndrome type 6. Identifiers: Orphanet 2754, MedGen C2745997, MONDO:0010176, OMIM 277170.

Allele frequency attached by ClinVar (database versions not stated): gnomAD exomes below 0.00001; gnomAD 0.00001.
gnomAD v4.1: 2 of 1,608,564 alleles (0.00012%); highest among the groups gnomAD compares: Admixed American, 0.0034%; no homozygotes.

Submissions (2):

Fulgent Genetics
Classification: Uncertain significance for Orofaciodigital syndrome type 6; Joubert syndrome 17. Last evaluated: 2024-04-20. Review status: criteria provided, single submitter. Criteria: ACMG Guidelines, 2015. Collection method: clinical testing. Allele origin: germline.

Labcorp Genetics (formerly Invitae), Labcorp
Classification: Uncertain significance. Last evaluated: 2022-07-14. Review status: criteria provided, single submitter. Criteria: Invitae Variant Classification Sherloc (09022015). Collection method: clinical testing. Allele origin: germline.
Comment: This sequence change replaces aspartic acid, which is acidic and polar, with glutamic acid, which is acidic and polar, at codon 2502 of the CPLANE1 protein (p.Asp2502Glu). This variant is present in population databases (no rsID available, gnomAD 0.1%). In summary, the available evidence is currently insufficient to determine the role of this variant in disease. Therefore, it has been classified as a Variant of Uncertain Significance. Advanced modeling of protein sequence and biophysical properties (such as structural, functional, and spatial information, amino acid conservation, physicochemical variation, residue mobility, and thermodynamic stability) performed at Invitae indicates that this missense variant is not expected to disrupt CPLANE1 protein function. This variant has not been reported in the literature in individuals affected with CPLANE1-related conditions.

NM_001384732.1(CPLANE1):c.7506T>G (p.Asp2502Glu)

Gene: CPLANE1 (ciliogenesis and planar polarity effector complex subunit 1; minus strand). Cytogenetic location: 5p13.2.
Variant type: single nucleotide variant.
Coding change: c.7506T>G on transcript NM_001384732.1 (MANE Select); coding-DNA position 7506, T replaced by G.
Protein change: p.Asp2502Glu; replaces aspartic acid 2502 with glutamic acid.
Molecular consequence: missense variant.
Genome position (GRCh38, 1-based): chr5:37,165,566, A>C on the plus strand (T>G on the coding strand, the complement: CPLANE1 is on the minus strand). VCF-style: chr5-37165566-A-C. GRCh37 (hg19) VCF-style: chr5-37165668-A-C.
Other names: c.7506T>G, p.Asp2502Glu (NM_023073.4); c.7506T>G (NM_023073.3); short protein forms D2502E.
Identifiers: ClinVar variation 1959691 (VCV001959691.6), dbSNP rs1267264302, ClinGen allele CA359476251.